The following is an entry in ClinVar:

NM_004612.4(TGFBR1):c.569G>A (p.Gly190Asp)

Gene: TGFBR1 (transforming growth factor beta receptor 1; plus strand). Cytogenetic location: 9q22.33.
Variant type: single nucleotide variant.
Coding change: c.569G>A on transcript NM_004612.4 (MANE Select); coding-DNA position 569, G replaced by A.
Protein change: p.Gly190Asp; replaces glycine 190 with aspartic acid.
Molecular consequence: missense variant. On other transcripts: intron variant (1).
Genome position (GRCh38, 1-based): chr9:99,132,734, G>A. VCF-style: chr9-99132734-G-A. GRCh37 (hg19) VCF-style: chr9-101895016-G-A.
Other names: c.581G>A, p.Gly194Asp (NM_001306210.2); c.343+3634G>A (NM_001130916.3); short protein forms G190D, G194D.
Identifiers: ClinVar variation 1445142 (VCV001445142.6), dbSNP rs2118632040, ClinGen allele CA374228528.
Genomic context (GRCh38, chr9:99,132,734, plus strand): 5'-TTATTTCAGAGGGTACTACGTTGAAAGACTTAATTTATGATATGACAACGTCAGGTTCTG[G>A]CTCAGGTAACATAATTGTTTCTCCTTTTTCCTAAGACATCTTTTTAAAATTAAGCGATAC-3'
Protein context (NP_004603.1, residues 180-200): LIYDMTTSGS[Gly190Asp]SGLPLLVQRT

ClinVar aggregate classification (germline): Uncertain significance (1 of 4 stars; one submission).

Conditions:
Familial thoracic aortic aneurysm and aortic dissection (TAAD). Also called: Thoracic aortic aneurysms and dissections. Identifiers: Orphanet 91387, MedGen C4707243, MONDO:0019625.

Submission:

Labcorp Genetics (formerly Invitae), Labcorp
Classification: Uncertain significance for Familial thoracic aortic aneurysm and aortic dissection. Last evaluated: 2021-09-15. Review status: criteria provided, single submitter. Criteria: Invitae Variant Classification Sherloc (09022015). Collection method: clinical testing. Allele origin: germline.
Comment: In summary, the available evidence is currently insufficient to determine the role of this variant in disease. Therefore, it has been classified as a Variant of Uncertain Significance. Advanced modeling of protein sequence and biophysical properties (such as structural, functional, and spatial information, amino acid conservation, physicochemical variation, residue mobility, and thermodynamic stability) performed at Invitae indicates that this missense variant is expected to disrupt TGFBR1 protein function. This variant has not been reported in the literature in individuals affected with TGFBR1-related conditions. This variant is not present in population databases (ExAC no frequency). This sequence change replaces glycine with aspartic acid at codon 190 of the TGFBR1 protein (p.Gly190Asp). The glycine residue is highly conserved and there is a moderate physicochemical difference between glycine and aspartic acid.